The following is an entry in ClinVar:

NM_004380.3(CREBBP):c.4640A>G (p.Asn1547Ser)

Gene: CREBBP (CREB binding lysine acetyltransferase; minus strand). Cytogenetic location: 16p13.3.
Variant type: single nucleotide variant.
Coding change: c.4640A>G on transcript NM_004380.3 (MANE Select); coding-DNA position 4640, A replaced by G.
Protein change: p.Asn1547Ser; replaces asparagine 1547 with serine.
Molecular consequence: missense variant.
Genome position (GRCh38, 1-based): chr16:3,736,124, T>C on the plus strand (A>G on the coding strand, the complement: CREBBP is on the minus strand). VCF-style: chr16-3736124-T-C. GRCh37 (hg19) VCF-style: chr16-3786125-T-C.
Other names: c.4526A>G, p.Asn1509Ser (NM_001079846.1); short protein forms N1509S, N1547S.
Identifiers: ClinVar variation 1958438 (VCV001958438.5), dbSNP rs1294890894, ClinGen allele CA394562488.

ClinVar aggregate classification (germline): Uncertain significance (1 of 4 stars; one submission).

Conditions:
Rubinstein-Taybi syndrome (RSTS). Identifiers: Orphanet 783, MedGen C0035934, MONDO:0019188.

Allele frequency attached by ClinVar (database versions not stated): gnomAD exomes 0.00001; TOPMed 0.00001.
gnomAD v4.1: 8 of 1,614,208 alleles (0.0005%); highest among the groups gnomAD compares: Non-Finnish European, 0.00068%; no homozygotes.

Submission:

Labcorp Genetics (formerly Invitae), Labcorp
Classification: Uncertain significance for Rubinstein-Taybi syndrome. Last evaluated: 2022-08-24. Review status: criteria provided, single submitter. Criteria: Invitae Variant Classification Sherloc (09022015). Collection method: clinical testing. Allele origin: germline.
Comment: In summary, the available evidence is currently insufficient to determine the role of this variant in disease. Therefore, it has been classified as a Variant of Uncertain Significance. Advanced modeling of protein sequence and biophysical properties (such as structural, functional, and spatial information, amino acid conservation, physicochemical variation, residue mobility, and thermodynamic stability) performed at Invitae indicates that this missense variant is expected to disrupt CREBBP protein function. This variant has not been reported in the literature in individuals affected with CREBBP-related conditions. This variant is present in population databases (no rsID available, gnomAD 0.0009%). This sequence change replaces asparagine, which is neutral and polar, with serine, which is neutral and polar, at codon 1547 of the CREBBP protein (p.Asn1547Ser).